The following is an entry in ClinVar:

ClinVar aggregate classification (germline): Uncertain significance (1 of 4 stars; one submission).

gnomAD v4.1: 1 of 1,614,146 alleles (0.000062%); no homozygotes.

Submission:

Labcorp Genetics (formerly Invitae), Labcorp
Classification: Uncertain significance. Last evaluated: 2026-01-12. Review status: criteria provided, single submitter. Criteria: Invitae Variant Classification Sherloc (09022015). Collection method: clinical testing. Allele origin: germline.
Comment: This sequence change replaces threonine, which is neutral and polar, with isoleucine, which is neutral and non-polar, at codon 876 of the ATRN protein (p.Thr876Ile). This variant is not present in population databases (gnomAD no frequency). This variant has not been reported in the literature in individuals affected with ATRN-related conditions. ClinVar contains an entry for this variant (Variation ID: 3678711). An algorithm developed to predict the effect of missense changes on protein structure and function (PolyPhen-2) suggests that this variant is likely to be disruptive. In summary, the available evidence is currently insufficient to determine the role of this variant in disease. Therefore, it has been classified as a Variant of Uncertain Significance.

NM_139321.3(ATRN):c.2627C>T (p.Thr876Ile)

Gene: ATRN (attractin; plus strand). Cytogenetic location: 20p13.
Variant type: single nucleotide variant.
Coding change: c.2627C>T on transcript NM_139321.3 (MANE Select); coding-DNA position 2627, C replaced by T.
Protein change: p.Thr876Ile; replaces threonine 876 with isoleucine.
Molecular consequence: missense variant.
Genome position (GRCh38, 1-based): chr20:3,582,217, C>T. VCF-style: chr20-3582217-C-T. GRCh37 (hg19) VCF-style: chr20-3562864-C-T.
Other names: c.2279C>T, p.Thr760Ile (NM_001207047.3); c.2627C>T, p.Thr876Ile (NM_001323332.2, NM_139322.4); short protein forms T760I, T876I.
Identifiers: ClinVar variation 3678711 (VCV003678711.2).